The following is an entry in ClinVar:

ClinVar aggregate classification (germline): Benign/Likely benign. Review status: criteria provided, multiple submitters, no conflicts (2 of 4 stars). 14 submissions from 14 submitters: Benign (4); Likely benign (5). 5 of the submissions do not count toward it. Last evaluated 2026-09-01.

Conditions:
NOTCH2-related disorder. Also called: NOTCH2-related condition.
Hajdu-Cheney syndrome (HJCYS). Also called: ACROOSTEOLYSIS WITH OSTEOPOROSIS AND CHANGES IN SKULL AND MANDIBLE; Acroosteolysis dominant type; SERPENTINE FIBULA-POLYCYSTIC KIDNEY SYNDROME. Identifiers: Orphanet 955, MedGen C0917715, MONDO:0007057, OMIM 102500.

Allele frequency attached by ClinVar (database versions not stated): ExAC 0.00297; gnomAD exomes 0.00331 and 0.00480; ESP Exome Variant Server 0.00338; gnomAD 0.00370 and 0.00375; TOPMed 0.00470; 1000 Genomes Project 0.00220; 1000 Genomes Project 30x 0.00281.
gnomAD v4.1: 7,569 of 1,614,042 alleles (0.47%); highest among the groups gnomAD compares: Non-Finnish European, 0.56%; 25 homozygotes.

Submissions (14):

CeGaT Center for Human Genetics Tuebingen
Classification: Benign. Last evaluated: 2026-09-01. Review status: criteria provided, single submitter. Criteria: CeGaT Center For Human Genetics Tuebingen Variant Classification Criteria Version 2. Collection method: clinical testing. Allele origin: germline. Affected: yes. Observed: 29 variant alleles.
Comment: NOTCH2: BP4, BS1, BS2

Labcorp Genetics (formerly Invitae), Labcorp
Classification: Benign for Hajdu-Cheney syndrome. Last evaluated: 2026-01-30. Review status: criteria provided, single submitter. Criteria: Invitae Variant Classification Sherloc (09022015). Collection method: clinical testing. Allele origin: germline.

Mayo Clinic Laboratories, Mayo Clinic
Classification: Likely benign. Last evaluated: 2024-12-04. Review status: criteria provided, single submitter. Criteria: ACMG Guidelines, 2015. Collection method: clinical testing. Allele origin: germline. Observed: 8 variant alleles.
Comment: BS1, BP4_moderate

Blueprint Genetics
Classification: Likely benign. Last evaluated: 2024-11-20. Review status: criteria provided, single submitter. Criteria: ACMG Guidelines, 2015. Collection method: clinical testing. Allele origin: germline.

GeneDx
Classification: Benign. Last evaluated: 2020-01-12. Review status: criteria provided, single submitter. Criteria: GeneDx Variant Classification Process June 2021. Collection method: clinical testing. Allele origin: germline. Affected: yes.
Comment: This variant is associated with the following publications: (PMID: 32859249)

Center for Pediatric Genomic Medicine, Children's Mercy Hospital and Clinics
Classification: Likely benign. Last evaluated: 2017-08-22. Review status: criteria provided, single submitter. Criteria: ACMG Guidelines, 2015. Collection method: clinical testing. Allele origin: germline.

Genomic Diagnostic Laboratory, Division of Genomic Diagnostics, Children's Hospital of Philadelphia
Classification: Likely benign. Last evaluated: 2015-12-17. Review status: criteria provided, single submitter. Criteria: DGD Variant Analysis Guidelines. Collection method: clinical testing. Allele origin: unknown.

Eurofins Ntd Llc (ga)
Classification: Benign. Last evaluated: 2015-06-18. Review status: criteria provided, single submitter. Criteria: EGL Classification Definitions 2015. Collection method: clinical testing. Allele origin: germline. Observed: 1 variant allele, 1 heterozygote.

Breakthrough Genomics
Classification: Likely benign. Review status: criteria provided, single submitter. Criteria: ACMG Guidelines, 2015. Collection method: not provided. Allele origin: germline. Inheritance: Autosomal dominant inheritance. Affected: yes.

PreventionGenetics, part of Exact Sciences
Classification: Benign for NOTCH2-related condition. Last evaluated: 2019-09-23. Review status: no assertion criteria provided. Collection method: clinical testing. Allele origin: germline. Not counted in ClinVar's aggregate classification.
Comment: This variant is classified as benign based on ACMG/AMP sequence variant interpretation guidelines (Richards et al. 2015 PMID: 25741868, with internal and published modifications).

ITMI
No classification provided. Condition: AllHighlyPenetrant. Last evaluated: 2013-09-19. Review status: no classification provided. Collection method: reference population. Allele origin: germline. Not counted in ClinVar's aggregate classification.
Comment: Please see associated publication for description of ethnicities

Clinical Genetics DNA and cytogenetics Diagnostics Lab, Erasmus MC, Erasmus Medical Center
Classification: Likely benign. Review status: no assertion criteria provided. Collection method: clinical testing. Allele origin: germline. Affected: yes. Study: VKGL Data-share Consensus. Not counted in ClinVar's aggregate classification.

Genome Diagnostics Laboratory, University Medical Center Utrecht
Classification: Likely benign. Review status: no assertion criteria provided. Collection method: clinical testing. Allele origin: germline. Affected: yes. Study: VKGL Data-share Consensus. Not counted in ClinVar's aggregate classification.

Laboratory of Diagnostic Genome Analysis, Leiden University Medical Center (LUMC)
Classification: Likely benign. Review status: no assertion criteria provided. Collection method: clinical testing. Allele origin: germline. Affected: yes. Study: VKGL Data-share Consensus. Not counted in ClinVar's aggregate classification.

Literature cited by the submitters: PubMed 24728327 (cited by ITMI).

NM_024408.4(NOTCH2):c.4238T>A (p.Leu1413His)

Gene: NOTCH2 (notch receptor 2; minus strand). Cytogenetic location: 1p12.
Variant type: single nucleotide variant.
Coding change: c.4238T>A on transcript NM_024408.4 (MANE Select); coding-DNA position 4238, T replaced by A.
Protein change: p.Leu1413His; replaces leucine 1413 with histidine.
Molecular consequence: missense variant.
Genome position (GRCh38, 1-based): chr1:119,925,578, A>T on the plus strand (T>A on the coding strand, the complement: NOTCH2 is on the minus strand). VCF-style: chr1-119925578-A-T. GRCh37 (hg19) VCF-style: chr1-120468201-A-T.
Other names: p.Leu1413His; short protein forms L1413H.
Identifiers: ClinVar variation 134975 (VCV000134975.47), dbSNP rs41313282, ClinGen allele CA161277.
Genomic context (GRCh38, chr1:119,925,578, plus strand): 5'-TTGTCGGCACAATACTGGCTCAGACAGGTGGCAGGAGGGGTGCTGGGGGGTGCCGTGTAG[A>T]GTTCACAGCGGCTACCCGAGAATGGTGGGGCACACTGGCAGGAGTAATAAGGAGGCTGGC-3'
Protein context (NP_077719.2, residues 1403-1423): APPFSGSRCE[Leu1413His]YTAPPSTPPA